The following is an entry in ClinVar:

NM_031935.3(HMCN1):c.2637G>T (p.Glu879Asp)

Gene: HMCN1 (hemicentin 1; plus strand). Cytogenetic location: 1q31.1.
Variant type: single nucleotide variant.
Coding change: c.2637G>T on transcript NM_031935.3 (MANE Select); coding-DNA position 2637, G replaced by T.
Protein change: p.Glu879Asp; replaces glutamic acid 879 with aspartic acid.
Molecular consequence: missense variant.
Genome position (GRCh38, 1-based): chr1:185,981,048, G>T. VCF-style: chr1-185981048-G-T. GRCh37 (hg19) VCF-style: chr1-185950180-G-T.
Other names: short protein forms E879D.
Identifiers: ClinVar variation 1929015 (VCV001929015.5), dbSNP rs1651596974, ClinGen allele CA343886072.

ClinVar aggregate classification (germline): Uncertain significance (1 of 4 stars; one submission).

Allele frequency attached by ClinVar (database versions not stated): TOPMed below 0.00001; gnomAD 0.00001.
gnomAD v4.1: 2 of 1,610,014 alleles (0.00012%); highest among the groups gnomAD compares: Admixed American, 0.0033%; no homozygotes.

Submission:

Labcorp Genetics (formerly Invitae), Labcorp
Classification: Uncertain significance. Last evaluated: 2022-07-23. Review status: criteria provided, single submitter. Criteria: Invitae Variant Classification Sherloc (09022015). Collection method: clinical testing. Allele origin: germline.
Comment: This sequence change replaces glutamic acid, which is acidic and polar, with aspartic acid, which is acidic and polar, at codon 879 of the HMCN1 protein (p.Glu879Asp). In summary, the available evidence is currently insufficient to determine the role of this variant in disease. Therefore, it has been classified as a Variant of Uncertain Significance. Algorithms developed to predict the effect of missense changes on protein structure and function (SIFT, PolyPhen-2, Align-GVGD) all suggest that this variant is likely to be tolerated. This variant has not been reported in the literature in individuals affected with HMCN1-related conditions. This variant is not present in population databases (gnomAD no frequency).